The following is an entry in ClinVar:

ClinVar aggregate classification (germline): Likely benign. Review status: criteria provided, multiple submitters, no conflicts (2 of 4 stars). 3 submissions from 3 submitters: Likely benign (3). Last evaluated 2023-12-13.

Conditions:
Catecholaminergic polymorphic ventricular tachycardia 1. Also called: RYR2-Related Catecholaminergic Polymorphic Ventricular Tachycardia; VENTRICULAR TACHYCARDIA, CATECHOLAMINERGIC POLYMORPHIC, 1, WITH OR WITHOUT ATRIAL DYSFUNCTION AND/OR DILATED CARDIOMYOPATHY; VENTRICULAR TACHYCARDIA, STRESS-INDUCED POLYMORPHIC 1. Identifiers: Orphanet 3286, MedGen C1631597, MONDO:0011484, OMIM 604772.
Catecholaminergic polymorphic ventricular tachycardia (CVPT). Also called: Catecholamine-induced polymorphic ventricular tachycardia. Identifiers: Orphanet 3286, MedGen C5574922, MONDO:0017990.
Cardiomyopathy (CMYO). Also called: Cardiomyopathies. Identifiers: Orphanet 167848, MedGen C0878544, MONDO:0004994, HP:0001638. Inheritance: Various modes of inheritance.

Allele frequency attached by ClinVar (database versions not stated): gnomAD exomes below 0.00001.
gnomAD v4.1: 1 of 1,612,530 alleles (0.000062%); highest among the groups gnomAD compares: South Asian, 0.0011%; no homozygotes.

Submissions (3):

All of Us Research Program, National Institutes of Health
Classification: Likely benign for Catecholaminergic polymorphic ventricular tachycardia. Last evaluated: 2023-12-13. Review status: criteria provided, single submitter. Criteria: ACMG Guidelines, 2015. Collection method: clinical testing. Allele origin: germline. Inheritance: Autosomal dominant inheritance. Observed: 2 variant alleles, 2 heterozygotes.
Comment: This study involves interpretation of variants in research participants for the purpose of population health screening. Participant phenotype was not available at the time of variant classification. Additional details can be found in publication PMID: 35346344, PMCID: PMC8962531

Labcorp Genetics (formerly Invitae), Labcorp
Classification: Likely benign for Catecholaminergic polymorphic ventricular tachycardia 1. Last evaluated: 2023-12-11. Review status: criteria provided, single submitter. Criteria: Invitae Variant Classification Sherloc (09022015). Collection method: clinical testing. Allele origin: germline.

Color Diagnostics, LLC DBA Color Health
Classification: Likely benign for Cardiomyopathy. Last evaluated: 2022-02-03. Review status: criteria provided, single submitter. Criteria: ACMG Guidelines, 2015. Collection method: clinical testing. Allele origin: germline.

NM_001035.3(RYR2):c.14292C>G (p.Gly4764=)

Gene: RYR2 (ryanodine receptor 2; plus strand). Cytogenetic location: 1q43.
Variant type: single nucleotide variant.
Coding change: c.14292C>G on transcript NM_001035.3 (MANE Select); coding-DNA position 14292, C replaced by G.
Protein change: p.Gly4764=; no amino-acid change (glycine 4764 retained).
Molecular consequence: synonymous variant.
Genome position (GRCh38, 1-based): chr1:237,806,277, C>G. VCF-style: chr1-237806277-C-G. GRCh37 (hg19) VCF-style: chr1-237969577-C-G.
Identifiers: ClinVar variation 1105948 (VCV001105948.12), dbSNP rs1660622870, ClinGen allele CA424051679.
Genomic context (GRCh38, chr1:237,806,277, plus strand): 5'-CGACATTGCTATGGGATTCAAGACATTAAGAACCATCTTGTCCTCAGTAACTCACAATGG[C>G]AAACAGGTAAACAGTTTATCTTTTTCCTCCCTTGCAGAAAATAAAAAAGCAACAAATAAA-3'
Protein context (NP_001026.2, residues 4754-4774): RTILSSVTHN[Gly4764=]KQLVLTVGLL